The following is an entry in ClinVar:

NM_005188.4(CBL):c.1360A>T (p.Asn454Tyr)

Gene: CBL (Cbl proto-oncogene; plus strand). Cytogenetic location: 11q23.3.
Variant type: single nucleotide variant.
Coding change: c.1360A>T on transcript NM_005188.4 (MANE Select); coding-DNA position 1360, A replaced by T.
Protein change: p.Asn454Tyr; replaces asparagine 454 with tyrosine.
Molecular consequence: missense variant.
Genome position (GRCh38, 1-based): chr11:119,278,642, A>T. VCF-style: chr11-119278642-A-T. GRCh37 (hg19) VCF-style: chr11-119149352-A-T.
Other names: short protein forms N454Y.
Identifiers: ClinVar variation 3703623 (VCV003703623.2).
Genomic context (GRCh38, chr11:119,278,642, plus strand): 5'-TTTGATCCTAGAGGGAGTGGCAGCCTGTTGAGGCAAGGAGCAGAGGGAGCTCCCTCCCCA[A>T]ATTATGATGATGATGATGATGAACGAGCTGATGATACTCTCTTCATGATGAAGGAATTGG-3'
Protein context (NP_005179.2, residues 444-464): RQGAEGAPSP[Asn454Tyr]YDDDDDERAD

ClinVar aggregate classification (germline): Uncertain significance (1 of 4 stars; one submission).

Conditions:
RASopathy. Also called: Noonan spectrum disorder; rasopathies. Identifiers: Orphanet 536391, MedGen C5555857, MONDO:0021060.

Submission:

Labcorp Genetics (formerly Invitae), Labcorp
Classification: Uncertain significance for RASopathy. Last evaluated: 2025-01-27. Review status: criteria provided, single submitter. Criteria: Invitae Variant Classification Sherloc (09022015). Collection method: clinical testing. Allele origin: germline.
Comment: This sequence change replaces asparagine, which is neutral and polar, with tyrosine, which is neutral and polar, at codon 454 of the CBL protein (p.Asn454Tyr). This variant is not present in population databases (gnomAD no frequency). This variant has not been reported in the literature in individuals affected with CBL-related conditions. Invitae Evidence Modeling of protein sequence and biophysical properties (such as structural, functional, and spatial information, amino acid conservation, physicochemical variation, residue mobility, and thermodynamic stability) indicates that this missense variant is not expected to disrupt CBL protein function with a negative predictive value of 95%. In summary, the available evidence is currently insufficient to determine the role of this variant in disease. Therefore, it has been classified as a Variant of Uncertain Significance.